The following is an entry in ClinVar:

ClinVar aggregate classification (germline): Likely benign. Review status: criteria provided, single submitter (1 of 4 stars). 2 submissions from 2 submitters: Likely benign (1). 1 of the submissions does not count toward it. Last evaluated 2025-11-25.

Conditions:
MVK-related disorder. Also called: MVK-related disorders; MVK-related condition. Identifiers: MedGen CN239294.
Porokeratosis 3, disseminated superficial actinic type (POROK3). Also called: POROKERATOSIS 3, MULTIPLE TYPES; POROKERATOSIS 3, MIBELLI TYPE; POROKERATOSIS, DISSEMINATED SUPERFICIAL ACTINIC, 1. Identifiers: MedGen C1867981, MONDO:0008293, OMIM 175900.
Hyperimmunoglobulin D with periodic fever (HIDS). Also called: Hyperimmunoglobulinemia D; HYPERIMMUNOGLOBULINEMIA D AND PERIODIC FEVER SYNDROME; Hyperimmunoglobulinemia D with periodic fever. Identifiers: Orphanet 343, MedGen C0398691, MONDO:0009849, OMIM 260920.
Mevalonic aciduria (MEVA). Identifiers: Orphanet 29, MedGen C1959626, MONDO:0012481, OMIM 610377.

gnomAD v4.1: 4 of 1,613,626 alleles (0.00025%); highest among the groups gnomAD compares: Admixed American, 0.0067%; no homozygotes.

Submissions (2):

Labcorp Genetics (formerly Invitae), Labcorp
Classification: Likely benign for Mevalonic aciduria; Hyperimmunoglobulin D with periodic fever; Porokeratosis 3, disseminated superficial actinic type. Last evaluated: 2025-11-25. Review status: criteria provided, single submitter. Criteria: Invitae Variant Classification Sherloc (09022015). Collection method: clinical testing. Allele origin: germline.

PreventionGenetics, part of Exact Sciences
Classification: Likely benign for MVK-related condition. Last evaluated: 2020-03-30. Review status: no assertion criteria provided. Collection method: clinical testing. Allele origin: germline. Not counted in ClinVar's aggregate classification.
Comment: This variant is classified as likely benign based on ACMG/AMP sequence variant interpretation guidelines (Richards et al. 2015 PMID: 25741868, with internal and published modifications).

NM_000431.4(MVK):c.534C>G (p.Thr178=)

Gene: MVK (mevalonate kinase; plus strand). Cytogenetic location: 12q24.11.
Variant type: single nucleotide variant.
Coding change: c.534C>G on transcript NM_000431.4 (MANE Select); coding-DNA position 534, C replaced by G.
Protein change: p.Thr178=; no amino-acid change (threonine 178 retained).
Molecular consequence: synonymous variant.
Genome position (GRCh38, 1-based): chr12:109,586,028, C>G. VCF-style: chr12-109586028-C-G. GRCh37 (hg19) VCF-style: chr12-110023833-C-G.
Other names: c.534C>G, p.Thr178= (NM_001114185.3); c.378C>G, p.Thr126= (NM_001301182.2); c.534C>G (NM_000431.3).
Identifiers: ClinVar variation 1096699 (VCV001096699.11), dbSNP rs749860412, ClinGen allele CA6779298.
Genomic context (GRCh38, chr12:109,586,028, plus strand): 5'-CTCCCCAGCCCCACTCCTCACTGCCACAGTAAAGATGAACATCTGTGTCTTCAGGTGGAC[C>G]AAGGAGGATTTGGAGCTAATTAACAAGTGGGCCTTCCAAGGGGAGAGAATGATTCACGGG-3'
Protein context (NP_000422.1, residues 168-188): LKDGDCVNRW[Thr178=]KEDLELINKW